The following is an entry in ClinVar:

NM_006904.7(PRKDC):c.11029C>T (p.Pro3677Ser)

Gene: PRKDC (protein kinase, DNA-activated, catalytic subunit; minus strand). Cytogenetic location: 8q11.21.
Variant type: single nucleotide variant.
Coding change: c.11029C>T on transcript NM_006904.7 (MANE Select); coding-DNA position 11029, C replaced by T.
Protein change: p.Pro3677Ser; replaces proline 3677 with serine.
Molecular consequence: missense variant.
Genome position (GRCh38, 1-based): chr8:47,785,191, G>A on the plus strand (C>T on the coding strand, the complement: PRKDC is on the minus strand). VCF-style: chr8-47785191-G-A. GRCh37 (hg19) VCF-style: chr8-48697752-G-A.
Other names: c.11029C>T, p.Pro3677Ser (NM_001081640.2); short protein forms P3677S.
Identifiers: ClinVar variation 444752 (VCV000444752.52), dbSNP rs55924155, ClinGen allele CA4739205.

ClinVar aggregate classification (germline): Uncertain significance. Review status: criteria provided, multiple submitters, no conflicts (2 of 4 stars). 5 submissions from 5 submitters: Uncertain significance (5). Last evaluated 2026-07-01.

Conditions:
Severe combined immunodeficiency due to DNA-PKcs deficiency. Also called: IMMUNODEFICIENCY 26 WITH NEUROLOGIC ABNORMALITIES; Immunodeficiency 26 with or without neurologic abnormalities. Identifiers: Orphanet 317425, MedGen C4014833, MONDO:0014423, OMIM 615966.

Allele frequency attached by ClinVar (database versions not stated): 1000 Genomes Project 30x 0.00031; ExAC 0.00036; gnomAD exomes 0.00038 and 0.00067; 1000 Genomes Project 0.00040; gnomAD 0.00049 and 0.00051; ESP Exome Variant Server 0.00051; TOPMed 0.00055.
gnomAD v4.1: 1,036 of 1,613,868 alleles (0.064%); highest among the groups gnomAD compares: Non-Finnish European, 0.082%; 1 homozygote.

Submissions (5):

CeGaT Center for Human Genetics Tuebingen
Classification: Uncertain significance. Last evaluated: 2026-07-01. Review status: criteria provided, single submitter. Criteria: CeGaT Center For Human Genetics Tuebingen Variant Classification Criteria Version 2. Collection method: clinical testing. Allele origin: germline. Affected: yes. Observed: 1 variant allele.

Blueprint Genetics
Classification: Uncertain significance. Last evaluated: 2024-09-11. Review status: criteria provided, single submitter. Criteria: ACMG Guidelines, 2015. Collection method: clinical testing. Allele origin: germline.

Ambry Genetics
Classification: Uncertain significance. Last evaluated: 2024-04-20. Review status: criteria provided, single submitter. Criteria: Ambry Variant Classification Scheme 2023. Collection method: clinical testing. Allele origin: germline.
Comment: The p.P3677S variant (also known as c.11029C>T), located in coding exon 77 of the PRKDC gene, results from a C to T substitution at nucleotide position 11029. The proline at codon 3677 is replaced by serine, an amino acid with similar properties. This amino acid position is conserved. In addition, the in silico prediction for this alteration is inconclusive. Based on the available evidence, the clinical significance of this variant remains unclear.

Greenwood Genetic Center Diagnostic Laboratories, Greenwood Genetic Center
Classification: Uncertain significance. Last evaluated: 2022-12-19. Review status: criteria provided, single submitter. Criteria: ACMG Guidelines, 2015. Collection method: clinical testing. Allele origin: germline. Affected: yes.
Comment: PP2, PP3

Labcorp Genetics (formerly Invitae), Labcorp
Classification: Uncertain significance for Severe combined immunodeficiency due to DNA-PKcs deficiency. Last evaluated: 2022-10-17. Review status: criteria provided, single submitter. Criteria: Invitae Variant Classification Sherloc (09022015). Collection method: clinical testing. Allele origin: germline.
Comment: This sequence change replaces proline, which is neutral and non-polar, with serine, which is neutral and polar, at codon 3677 of the PRKDC protein (p.Pro3677Ser). This variant is present in population databases (rs55924155, gnomAD 0.07%). This variant has not been reported in the literature in individuals affected with PRKDC-related conditions. ClinVar contains an entry for this variant (Variation ID: 444752). Advanced modeling of protein sequence and biophysical properties (such as structural, functional, and spatial information, amino acid conservation, physicochemical variation, residue mobility, and thermodynamic stability) has been performed at Invitae for this missense variant, however the output from this modeling did not meet the statistical confidence thresholds required to predict the impact of this variant on PRKDC protein function. In summary, the available evidence is currently insufficient to determine the role of this variant in disease. Therefore, it has been classified as a Variant of Uncertain Significance.